The following is an entry in ClinVar:

ClinVar aggregate classification (germline): Uncertain significance. Review status: criteria provided, multiple submitters, no conflicts (2 of 4 stars). 2 submissions from 2 submitters: Uncertain significance (2). Last evaluated 2024-01-20.

Conditions:
Cystic fibrosis (CF). Also called: MUCOVISCIDOSIS. Identifiers: Orphanet 586, MedGen C0010674, MONDO:0009061, OMIM 219700. Disease mechanism: loss of function.

Submissions (2):

Ambry Genetics
Classification: Uncertain significance for Cystic fibrosis. Last evaluated: 2024-01-20. Review status: criteria provided, single submitter. Criteria: Ambry Variant Classification Scheme 2023. Collection method: clinical testing. Allele origin: germline.
Comment: The p.Y625S variant (also known as c.1874A>C), located in coding exon 14 of the CFTR gene, results from an A to C substitution at nucleotide position 1874. The tyrosine at codon 625 is replaced by serine, an amino acid with dissimilar properties. This amino acid position is conserved. In addition, this alteration is predicted to be deleterious by in silico analysis. Based on the available evidence, the clinical significance of this alteration remains unclear.

Labcorp Genetics (formerly Invitae), Labcorp
Classification: Uncertain significance for Cystic fibrosis. Last evaluated: 2022-08-21. Review status: criteria provided, single submitter. Criteria: Invitae Variant Classification Sherloc (09022015). Collection method: clinical testing. Allele origin: germline.
Comment: This sequence change replaces tyrosine, which is neutral and polar, with serine, which is neutral and polar, at codon 625 of the CFTR protein (p.Tyr625Ser). This variant is not present in population databases (gnomAD no frequency). This variant has not been reported in the literature in individuals affected with CFTR-related conditions. Algorithms developed to predict the effect of missense changes on protein structure and function (SIFT, PolyPhen-2, Align-GVGD) all suggest that this variant is likely to be tolerated. In summary, the available evidence is currently insufficient to determine the role of this variant in disease. Therefore, it has been classified as a Variant of Uncertain Significance.

NM_000492.4(CFTR):c.1874A>C (p.Tyr625Ser)

Gene: CFTR (CF transmembrane conductance regulator; plus strand). Cytogenetic location: 7q31.2.
Variant type: single nucleotide variant.
Coding change: c.1874A>C on transcript NM_000492.4 (MANE Select); coding-DNA position 1874, A replaced by C.
Protein change: p.Tyr625Ser; replaces tyrosine 625 with serine.
Molecular consequence: missense variant.
Genome position (GRCh38, 1-based): chr7:117,592,041, A>C. VCF-style: chr7-117592041-A-C. GRCh37 (hg19) VCF-style: chr7-117232095-A-C.
Other names: short protein forms Y625S.
Identifiers: ClinVar variation 1717523 (VCV001717523.6), dbSNP rs2485109301, ClinGen allele CA368978555.
Genomic context (GRCh38, chr7:117,592,041, plus strand): 5'-CTAAAATGGAACATTTAAAGAAAGCTGACAAAATATTAATTTTGCATGAAGGTAGCAGCT[A>C]TTTTTATGGGACATTTTCAGAACTCCAAAATCTACAGCCAGACTTTAGCTCAAAACTCAT-3'
Protein context (NP_000483.3, residues 615-635): KILILHEGSS[Tyr625Ser]FYGTFSELQN